The following is an entry in ClinVar:

ClinVar aggregate classification (germline): Uncertain significance (1 of 4 stars; one submission).

Conditions:
Ataxia-telangiectasia syndrome (AT). Also called: AT, COMPLEMENTATION GROUP C; Ataxia telangiectasia (A-T); ATAXIA-TELANGIECTASIA, COMPLEMENTATION GROUP A; ATAXIA-TELANGIECTASIA, FRESNO VARIANT; Ataxia-telangiectasia, complementation group D; Ataxia-telangiectasia, complementation group E. Identifiers: Orphanet 100, MedGen C0004135, MONDO:0008840, OMIM 208900.

Submission:

Labcorp Genetics (formerly Invitae), Labcorp
Classification: Uncertain significance for Ataxia-telangiectasia syndrome. Last evaluated: 2023-05-01. Review status: criteria provided, single submitter. Criteria: Invitae Variant Classification Sherloc (09022015). Collection method: clinical testing. Allele origin: germline.
Comment: In summary, the available evidence is currently insufficient to determine the role of this variant in disease. Therefore, it has been classified as a Variant of Uncertain Significance. Algorithms developed to predict the effect of missense changes on protein structure and function output the following: SIFT: "Not Available"; PolyPhen-2: "Benign"; Align-GVGD: "Not Available". The isoleucine amino acid residue is found in multiple mammalian species, which suggests that this missense change does not adversely affect protein function. This variant has not been reported in the literature in individuals affected with ATM-related conditions. This variant is not present in population databases (gnomAD no frequency). This sequence change replaces valine, which is neutral and non-polar, with isoleucine, which is neutral and non-polar, at codon 278 of the ATM protein (p.Val278Ile).

NM_000051.4(ATM):c.832G>A (p.Val278Ile)

Gene: ATM (ATM serine/threonine kinase; plus strand). Cytogenetic location: 11q22.3.
Variant type: single nucleotide variant.
Coding change: c.832G>A on transcript NM_000051.4 (MANE Select); coding-DNA position 832, G replaced by A.
Protein change: p.Val278Ile; replaces valine 278 with isoleucine.
Molecular consequence: missense variant.
Genome position (GRCh38, 1-based): chr11:108,244,957, G>A. VCF-style: chr11-108244957-G-A. GRCh37 (hg19) VCF-style: chr11-108115684-G-A.
Other names: c.832G>A, p.Val278Ile (NM_001351834.2); short protein forms V278I.
Identifiers: ClinVar variation 2861034 (VCV002861034.3), dbSNP rs761005590, ClinGen allele CA382529441.